The following is an entry in ClinVar:

ClinVar aggregate classification (germline): Uncertain significance (1 of 4 stars; one submission).

Conditions:
Episodic kinesigenic dyskinesia (EKD). Also called: Paroxysmal kinesigenic dyskinesia. Identifiers: Orphanet 98809, MedGen C1868682, MONDO:0044202.

Submission:

Labcorp Genetics (formerly Invitae), Labcorp
Classification: Uncertain significance for Episodic kinesigenic dyskinesia. Last evaluated: 2023-10-13. Review status: criteria provided, single submitter. Criteria: Invitae Variant Classification Sherloc (09022015). Collection method: clinical testing. Allele origin: germline.
Comment: This sequence change replaces proline, which is neutral and non-polar, with leucine, which is neutral and non-polar, at codon 25 of the PRRT2 protein (p.Pro25Leu). This variant is not present in population databases (gnomAD no frequency). This variant has not been reported in the literature in individuals affected with PRRT2-related conditions. Advanced modeling of protein sequence and biophysical properties (such as structural, functional, and spatial information, amino acid conservation, physicochemical variation, residue mobility, and thermodynamic stability) performed at Invitae indicates that this missense variant is not expected to disrupt PRRT2 protein function. In summary, the available evidence is currently insufficient to determine the role of this variant in disease. Therefore, it has been classified as a Variant of Uncertain Significance.

NM_145239.3(PRRT2):c.74C>T (p.Pro25Leu)

Genes: MVP-DT (MVP divergent transcript; minus strand), PRRT2 (proline rich transmembrane protein 2; plus strand). Cytogenetic location: 16p11.2.
Variant type: single nucleotide variant.
Coding change: c.74C>T on transcript NM_145239.3 (MANE Select); coding-DNA position 74, C replaced by T.
Protein change: p.Pro25Leu; replaces proline 25 with leucine.
Molecular consequence: missense variant.
Genome position (GRCh38, 1-based): chr16:29,813,128, C>T. VCF-style: chr16-29813128-C-T. GRCh37 (hg19) VCF-style: chr16-29824449-C-T.
Other names: c.74C>T, p.Pro25Leu (NM_001256442.2, NM_001256443.2); short protein forms P25L.
Identifiers: ClinVar variation 2857463 (VCV002857463.3), dbSNP rs1267727472, ClinGen allele CA395477171.
Genomic context (GRCh38, chr16:29,813,128, plus strand): 5'-GCTCTGAGATCTCTGAGATGAAGGGGGTTGAGGAGAGTCCCAAGGTTCCAGGCGAAGGGC[C>T]TGGCCATTCTGAAGCTGAAACTGGCCCTCCCCAGGTCCTAGCAGGGGTACCAGACCAGCC-3'
Protein context (NP_660282.2, residues 15-35): EESPKVPGEG[Pro25Leu]GHSEAETGPP